The following is an entry in ClinVar:

NM_002451.4(MTAP):c.566G>T (p.Trp189Leu)

Gene: MTAP (methylthioadenosine phosphorylase; plus strand). Cytogenetic location: 9p21.3.
Variant type: single nucleotide variant.
Coding change: c.566G>T on transcript NM_002451.4 (MANE Select); coding-DNA position 566, G replaced by T.
Protein change: p.Trp189Leu; replaces tryptophan 189 with leucine.
Molecular consequence: missense variant.
Genome position (GRCh38, 1-based): chr9:21,854,746, G>T. VCF-style: chr9-21854746-G-T. GRCh37 (hg19) VCF-style: chr9-21854745-G-T.
Other names: short protein forms W189L.
Identifiers: ClinVar variation 366245 (VCV000366245.6), dbSNP rs184520335, ClinGen allele CA5011905.

ClinVar aggregate classification (germline): Benign. Review status: criteria provided, multiple submitters, no conflicts (2 of 4 stars). 2 submissions from 2 submitters: Benign (2). Last evaluated 2025-02-01.

Conditions:
Diaphyseal medullary stenosis-bone malignancy syndrome. Also called: MYOPATHY, LIMB-GIRDLE, WITH BONE FRAGILITY; BONE DYSPLASIA WITH MALIGNANT FIBROUS HISTIOCYTOMA; BONE DYSPLASIA WITH MEDULLARY FIBROSARCOMA. Identifiers: Orphanet 85182, MedGen C1862177, MONDO:0007205, OMIM 112250.

Allele frequency attached by ClinVar (database versions not stated): TOPMed 0.00016; gnomAD 0.00019; 1000 Genomes Project 30x 0.00031; 1000 Genomes Project 0.00040.
gnomAD v4.1: 157 of 1,614,014 alleles (0.0097%); highest among the groups gnomAD compares: East Asian, 0.16%; 1 homozygote.

Submissions (2):

KCCC/NGS Laboratory, Kuwait Cancer Control Center
Classification: Benign for Diaphyseal medullary stenosis-bone malignancy syndrome. Last evaluated: 2025-02-01. Review status: criteria provided, single submitter. Criteria: ACMG Guidelines, 2015. Collection method: clinical testing. Allele origin: germline. Affected: no.

Illumina Laboratory Services, Illumina
Classification: Benign for Diaphyseal medullary stenosis-bone malignancy syndrome. Last evaluated: 2018-01-13. Review status: criteria provided, single submitter. Criteria: ICSL Variant Classification Criteria 13 December 2019. Collection method: clinical testing. Allele origin: germline.
Comment: This variant was observed in the ICSL laboratory as part of a predisposition screen in an ostensibly healthy population. It had not been previously curated by ICSL or reported in the Human Gene Mutation Database (HGMD: prior to June 1st, 2018), and was therefore a candidate for classification through an automated scoring system. Utilizing variant allele frequency, disease prevalence and penetrance estimates, and inheritance mode, an automated score was calculated to assess if this variant is too frequent to cause the disease. Based on the score and internal cut-off values, a variant classified as benign is not then subjected to further curation. The score for this variant resulted in a classification of benign for this disease.